The following is an entry in ClinVar:

NM_003803.4(MYOM1):c.980T>C (p.Ile327Thr)

Gene: MYOM1 (myomesin 1; minus strand). Cytogenetic location: 18p11.31.
Variant type: single nucleotide variant.
Coding change: c.980T>C on transcript NM_003803.4 (MANE Select); coding-DNA position 980, T replaced by C.
Protein change: p.Ile327Thr; replaces isoleucine 327 with threonine.
Molecular consequence: missense variant.
Genome position (GRCh38, 1-based): chr18:3,176,084, A>G on the plus strand (T>C on the coding strand, the complement: MYOM1 is on the minus strand). VCF-style: chr18-3176084-A-G. GRCh37 (hg19) VCF-style: chr18-3176082-A-G.
Other names: c.980T>C, p.Ile327Thr (NM_019856.2); short protein forms I327T.
Identifiers: ClinVar variation 639230 (VCV000639230.8), dbSNP rs1598744290, ClinGen allele CA401715904.

ClinVar aggregate classification (germline): Uncertain significance (1 of 4 stars; one submission).

Conditions:
Hypertrophic cardiomyopathy. Also called: HYPERTROPHIC MYOCARDIOPATHY. Identifiers: Orphanet 217569, MedGen C0007194, MeSH D002312, MONDO:0005045, HP:0001639.

Submission:

Labcorp Genetics (formerly Invitae), Labcorp
Classification: Uncertain significance for Hypertrophic cardiomyopathy. Last evaluated: 2018-07-18. Review status: criteria provided, single submitter. Criteria: Invitae Variant Classification Sherloc (09022015). Collection method: clinical testing. Allele origin: germline.
Comment: This variant has not been reported in the literature in individuals with MYOM1-related disease. Algorithms developed to predict the effect of missense changes on protein structure and function (SIFT, PolyPhen-2, Align-GVGD) all suggest that this variant is likely to be tolerated, but these predictions have not been confirmed by published functional studies and their clinical significance is uncertain. In summary, the available evidence is currently insufficient to determine the role of this variant in disease. Therefore, it has been classified as a Variant of Uncertain Significance. This sequence change replaces isoleucine with threonine at codon 327 of the MYOM1 protein (p.Ile327Thr). The isoleucine residue is weakly conserved and there is a moderate physicochemical difference between isoleucine and threonine. This variant is not present in population databases (ExAC no frequency).